The following is an entry in ClinVar:

ClinVar aggregate classification (germline): Uncertain significance. Review status: criteria provided, multiple submitters, no conflicts (2 of 4 stars). 2 submissions from 2 submitters: Uncertain significance (2). Last evaluated 2025-09-05.

Conditions:
Malignant hyperthermia, susceptibility to, 1 (MHS1). Also called: Anesthesia related hyperthermia; Malignant hyperpyrexia; Fulminating hyperpyrexia; Pharmacogenic myopathy; Malignant hyperthermia suceptibility 1; RYR1-Related Malignant Hyperthermia Susceptibility. Identifiers: Orphanet 423, MedGen C2930980, MONDO:0007783, OMIM 145600.

Submissions (2):

Color Diagnostics, LLC DBA Color Health
Classification: Uncertain significance for Malignant hyperthermia, susceptibility to, 1. Last evaluated: 2025-09-05. Review status: criteria provided, single submitter. Criteria: ACMG Guidelines, 2015. Collection method: clinical testing. Allele origin: germline.
Comment: This missense variant replaces serine with arginine at codon 4098 of the RYR1 protein. Computational prediction suggests that this variant may not impact protein structure and function. To our knowledge, functional studies have not been reported for this variant. This variant has not been reported in individuals affected with RYR1-related disorders in the literature. This variant has not been identified in the general population by the Genome Aggregation Database (gnomAD). The available evidence is insufficient to determine the role of this variant in disease conclusively. Therefore, this variant is classified as a Variant of Uncertain Significance.

GeneDx
Classification: Uncertain significance. Last evaluated: 2025-06-05. Review status: criteria provided, single submitter. Criteria: GeneDx Variant Classification Process June 2021. Collection method: clinical testing. Allele origin: germline. Affected: yes.
Comment: Not observed at significant frequency in large population cohorts (gnomAD); In silico analysis supports that this missense variant has a deleterious effect on protein structure/function; Has not been previously published as pathogenic or benign to our knowledge

NM_000540.3(RYR1):c.12294C>G (p.Ser4098Arg)

Gene: RYR1 (ryanodine receptor 1; plus strand). Cytogenetic location: 19q13.2.
Variant type: single nucleotide variant.
Coding change: c.12294C>G on transcript NM_000540.3 (MANE Select); coding-DNA position 12294, C replaced by G.
Protein change: p.Ser4098Arg; replaces serine 4098 with arginine.
Molecular consequence: missense variant.
Genome position (GRCh38, 1-based): chr19:38,561,124, C>G. VCF-style: chr19-38561124-C-G. GRCh37 (hg19) VCF-style: chr19-39051764-C-G.
Other names: c.12279C>G, p.Ser4093Arg (NM_001042723.2); short protein forms S4093R, S4098R.
Identifiers: ClinVar variation 4536160 (VCV004536160.2).